The following is an entry in ClinVar:

ClinVar aggregate classification (germline): Uncertain significance (1 of 4 stars; one submission).

Conditions:
Hereditary cancer-predisposing syndrome. Also called: Neoplastic Syndromes, Hereditary; Tumor predisposition; Hereditary Cancer Syndrome; Hereditary neoplastic syndrome. Identifiers: Orphanet 140162, MedGen C0027672, MeSH D009386, MONDO:0015356.

Submission:

Ambry Genetics
Classification: Uncertain significance for Hereditary cancer-predisposing syndrome. Last evaluated: 2025-09-05. Review status: criteria provided, single submitter. Criteria: Ambry Variant Classification Scheme 2023. Collection method: clinical testing. Allele origin: germline.
Comment: The c.648+3C>G intronic variant results from a C to G substitution 3 nucleotides after coding exon 6 in the TSC2 gene. This nucleotide position is not well conserved in available vertebrate species. In silico splice site analysis predicts that this alteration will not have any significant effect on splicing. Based on the available evidence, the clinical significance of this variant remains unclear.

NM_000548.5(TSC2):c.648+3C>G

Gene: TSC2 (TSC complex subunit 2; plus strand). Cytogenetic location: 16p13.3.
Variant type: single nucleotide variant.
Coding change: c.648+3C>G on transcript NM_000548.5 (MANE Select); 3 bases into the intron after coding-DNA position 648, C replaced by G.
Molecular consequence: intron variant.
Genome position (GRCh38, 1-based): chr16:2,056,247, C>G. VCF-style: chr16-2056247-C-G. GRCh37 (hg19) VCF-style: chr16-2106248-C-G.
Other names: c.738+3C>G (NM_001406667.1, NM_001406668.1); c.48+3C>G (NM_001406680.1, NM_001406683.1, NM_001406687.1 and 6 more transcripts); c.-784+3C>G (NM_001406689.1, NM_001406690.1, NM_001406692.1 and 3 more transcripts); c.-960+3C>G (NM_001406698.1); c.648+3C>G (NM_001114382.3, NM_001406663.1, NM_001406664.1 and 8 more transcripts); c.-665+3C>G (NM_001406694.1, NM_001406695.1); c.-772+3C>G (NM_001406696.1); c.186+3C>G (NM_001406681.1); and 4 more.
Identifiers: ClinVar variation 4192195 (VCV004192195.1).